The following is an entry in ClinVar:

NM_177438.3(DICER1):c.1220A>T (p.Asp407Val)

Gene: DICER1 (dicer 1, ribonuclease III; minus strand). Cytogenetic location: 14q32.13.
Variant type: single nucleotide variant.
Coding change: c.1220A>T on transcript NM_177438.3 (MANE Select); coding-DNA position 1220, A replaced by T.
Protein change: p.Asp407Val; replaces aspartic acid 407 with valine.
Molecular consequence: missense variant. On other transcripts: 5 prime UTR variant (1), non-coding transcript variant (6).
Genome position (GRCh38, 1-based): chr14:95,124,352, T>A on the plus strand (A>T on the coding strand, the complement: DICER1 is on the minus strand). VCF-style: chr14-95124352-T-A. GRCh37 (hg19) VCF-style: chr14-95590689-T-A.
Other names: c.1220A>T, p.Asp407Val (NM_001195573.1, NM_001271282.3, NM_001291628.2 and 15 more transcripts); c.938A>T, p.Asp313Val (NM_001395686.1); c.815A>T, p.Asp272Val (NM_001395687.1, NM_001395688.1, NM_001395689.1 and 3 more transcripts); c.653A>T, p.Asp218Val (NM_001395691.1); c.-349A>T (NM_001395697.1); short protein forms D218V, D272V, D313V, D407V.
Identifiers: ClinVar variation 2903900 (VCV002903900.4), dbSNP rs935586713, ClinGen allele CA390886640.

ClinVar aggregate classification (germline): Uncertain significance. Review status: criteria provided, multiple submitters, no conflicts (2 of 4 stars). 2 submissions from 2 submitters: Uncertain significance (2). Last evaluated 2026-03-04.

Conditions:
DICER1-related tumor predisposition. Also called: DICER1-related pleuropulmonary blastoma cancer predisposition syndrome; DICER1 syndrome. Identifiers: Orphanet 284343, MedGen C3839822, MONDO:0100216.
Hereditary cancer-predisposing syndrome. Also called: Tumor predisposition; Neoplastic Syndromes, Hereditary; Hereditary Cancer Syndrome; Hereditary neoplastic syndrome. Identifiers: Orphanet 140162, MedGen C0027672, MeSH D009386, MONDO:0015356.

Submissions (2):

Ambry Genetics
Classification: Uncertain significance for Hereditary cancer-predisposing syndrome. Last evaluated: 2026-03-04. Review status: criteria provided, single submitter. Criteria: Ambry Variant Classification Scheme 2023. Collection method: clinical testing. Allele origin: germline.
Comment: The p.D407V variant (also known as c.1220A>T), located in coding exon 7 of the DICER1 gene, results from an A to T substitution at nucleotide position 1220. The aspartic acid at codon 407 is replaced by valine, an amino acid with highly dissimilar properties. This amino acid position is highly conserved in available vertebrate species. In addition, the in silico prediction for this alteration is inconclusive. Based on the available evidence, the clinical significance of this variant remains unclear.

Labcorp Genetics (formerly Invitae), Labcorp
Classification: Uncertain significance for DICER1-related tumor predisposition. Last evaluated: 2023-03-30. Review status: criteria provided, single submitter. Criteria: Invitae Variant Classification Sherloc (09022015). Collection method: clinical testing. Allele origin: germline.
Comment: This variant is not present in population databases (gnomAD no frequency). This sequence change replaces aspartic acid, which is acidic and polar, with valine, which is neutral and non-polar, at codon 407 of the DICER1 protein (p.Asp407Val). In summary, the available evidence is currently insufficient to determine the role of this variant in disease. Therefore, it has been classified as a Variant of Uncertain Significance. An algorithm developed to predict the effect of missense changes on protein structure and function (PolyPhen-2) suggests that this variant is likely to be disruptive. This variant has not been reported in the literature in individuals affected with DICER1-related conditions.